The following is an entry in ClinVar:

NM_003494.4(DYSF):c.2T>C (p.Met1Thr)

Gene: DYSF (dysferlin; plus strand). Cytogenetic location: 2p13.2.
Variant type: single nucleotide variant.
Coding change: c.2T>C on transcript NM_003494.4 (MANE Plus Clinical); coding-DNA position 2, T replaced by C.
Protein change: p.Met1Thr; changes the start codon (methionine 1).
Molecular consequence: missense variant, initiator codon variant.
Genome position (GRCh38, 1-based): chr2:71,454,000, T>C. VCF-style: chr2-71454000-T-C. GRCh37 (hg19) VCF-style: chr2-71681130-T-C.
Other names: c.2T>C, p.Met1Thr (NM_001130976.2, NM_001130977.2, NM_001130978.2 and 3 more transcripts); short protein forms M1T.
Identifiers: ClinVar variation 553165 (VCV000553165.21), dbSNP rs1459713589, ClinGen allele CA347205795.
Genomic context (GRCh38, chr2:71,454,000, plus strand): 5'-CCCGACCTTTCCGAGCCCTCTTTGCGCCCTGGGCGCACGGGGCCCTACACGCGCCAAGCA[T>C]GCTGAGGGTCTTCATCCTCTATGCCGAGAACGTCCACACACCCGACACCGACATCAGCGA-3'
Protein context (NP_003485.1, residues 1-11): [Met1Thr]LRVFILYAEN

ClinVar aggregate classification (germline): Pathogenic/Likely pathogenic. Review status: criteria provided, multiple submitters, no conflicts (2 of 4 stars). 3 submissions from 3 submitters: Pathogenic (1); Likely pathogenic (1). 1 of the submissions does not count toward it. Last evaluated 2025-10-09.

Conditions:
Neuromuscular disease caused by qualitative or quantitative defects of dysferlin. Also called: Dysferlinopathy; Qualitative or quantitative defects of dysferlin. Identifiers: Orphanet 207073, MedGen C2931687, MONDO:0016145.
Autosomal recessive limb-girdle muscular dystrophy type 2B (LGMDR2). Also called: Limb-girdle muscular dystrophy, type 2B; MUSCULAR DYSTROPHY, LIMB-GIRDLE, AUTOSOMAL RECESSIVE 2; Limb-Girdle Muscular Dystrophy Type 2B (LGMD2B); MUSCULAR DYSTROPHY, LIMB-GIRDLE, TYPE 3. Identifiers: Orphanet 268, MedGen C1850889, MONDO:0009676, OMIM 253601.

Allele frequency attached by ClinVar (database versions not stated): gnomAD exomes below 0.00001; TOPMed below 0.00001.

Submissions (3):

Natera, Inc.
Classification: Likely pathogenic for Limb-girdle muscular dystrophy type 2B. Last evaluated: 2025-10-09. Review status: criteria provided, single submitter. Criteria: Natera Variant Classification Schema (03/2026). Collection method: clinical testing. Allele origin: germline.
Comment: The c.2T>C variant in DYSF is predicted to result in start loss due to disruption of the initiator methionine. This variant is expected to result in nonsense mediated decay, truncation, or a dysfunctional protein product. This variant is rare in the general population with a frequency below the threshold expected for the associated phenotype(s). Given the available evidence, this variant is classified as Likely Pathogenic.

Labcorp Genetics (formerly Invitae), Labcorp
Classification: Pathogenic for Neuromuscular disease caused by qualitative or quantitative defects of dysferlin. Last evaluated: 2024-04-25. Review status: criteria provided, single submitter. Criteria: Invitae Variant Classification Sherloc (09022015). Collection method: clinical testing. Allele origin: germline.
Comment: This sequence change affects the initiator methionine of the DYSF mRNA. The next in-frame methionine is located at codon 75. This variant is present in population databases (no rsID available, gnomAD 0.0009%). This variant has not been reported in the literature in individuals affected with DYSF-related conditions. ClinVar contains an entry for this variant (Variation ID: 553165). This variant disrupts a region of the DYSF protein in which other variant(s) (p.Trp52Arg) have been determined to be pathogenic (PMID: 1707005, 18853459, 22194990). This suggests that this is a clinically significant region of the protein, and that variants that disrupt it are likely to be disease-causing. For these reasons, this variant has been classified as Pathogenic.

Counsyl
Classification: Likely pathogenic for Autosomal recessive limb-girdle muscular dystrophy type 2B. Last evaluated: 2017-07-31. Review status: no assertion criteria provided. Collection method: clinical testing. Allele origin: unknown. Not counted in ClinVar's aggregate classification.

Literature cited by the submitters: PubMed 1707005 (cited by Labcorp Genetics (formerly Invitae), Labcorp); PubMed 18853459 (cited by Labcorp Genetics (formerly Invitae), Labcorp); PubMed 22194990 (cited by Labcorp Genetics (formerly Invitae), Labcorp).